The following is an entry in ClinVar:

ClinVar aggregate classification (germline): Pathogenic (1 of 4 stars; one submission).

Conditions:
Lymphoproliferative syndrome 1 (LPFS1). Identifiers: Orphanet 238505, Orphanet 538963, MedGen C3552634, MONDO:0013081, OMIM 613011.

Submission:

Labcorp Genetics (formerly Invitae), Labcorp
Classification: Pathogenic for Lymphoproliferative syndrome 1. Last evaluated: 2023-08-04. Review status: criteria provided, single submitter. Criteria: Invitae Variant Classification Sherloc (09022015). Collection method: clinical testing. Allele origin: germline.
Comment: For these reasons, this variant has been classified as Pathogenic. This variant has not been reported in the literature in individuals affected with ITK-related conditions. This variant is not present in population databases (gnomAD no frequency). This sequence change creates a premature translational stop signal (p.Trp130*) in the ITK gene. It is expected to result in an absent or disrupted protein product. Loss-of-function variants in ITK are known to be pathogenic (PMID: 16860760, 22289921, 26056787).

Literature cited by the submitters: PubMed 16860760; PubMed 22289921; PubMed 26056787.

NM_005546.4(ITK):c.389G>A (p.Trp130Ter)

Gene: ITK (IL2 inducible T cell kinase; plus strand). Cytogenetic location: 5q33.3.
Variant type: single nucleotide variant.
Coding change: c.389G>A on transcript NM_005546.4 (MANE Select); coding-DNA position 389, G replaced by A.
Protein change: p.Trp130Ter; replaces tryptophan 130 with a stop codon.
Molecular consequence: nonsense.
Genome position (GRCh38, 1-based): chr5:157,214,254, G>A. VCF-style: chr5-157214254-G-A. GRCh37 (hg19) VCF-style: chr5-156641265-G-A.
Other names: short protein forms W130*.
Identifiers: ClinVar variation 2750136 (VCV002750136.3), dbSNP rs2480559834, ClinGen allele CA361950976.